The following is an entry in ClinVar:

NM_001369268.1(ACAN):c.1529C>T (p.Pro510Leu)

Gene: ACAN (aggrecan; plus strand). Cytogenetic location: 15q26.1.
Variant type: single nucleotide variant.
Coding change: c.1529C>T on transcript NM_001369268.1 (MANE Select); coding-DNA position 1529, C replaced by T.
Protein change: p.Pro510Leu; replaces proline 510 with leucine.
Molecular consequence: missense variant.
Genome position (GRCh38, 1-based): chr15:88,847,342, C>T. VCF-style: chr15-88847342-C-T. GRCh37 (hg19) VCF-style: chr15-89390573-C-T.
Other names: c.1529C>T, p.Pro510Leu (NM_001135.4, NM_001411096.1, NM_001411097.1 and 1 more transcripts); short protein forms P510L.
Identifiers: ClinVar variation 2105079 (VCV002105079.4), dbSNP rs1428109216, ClinGen allele CA393710695.

ClinVar aggregate classification (germline): Uncertain significance (1 of 4 stars; one submission).

gnomAD v4.1: 3 of 1,585,444 alleles (0.00019%); highest among the groups gnomAD compares: East Asian, 0.0046%; no homozygotes.

Submission:

Labcorp Genetics (formerly Invitae), Labcorp
Classification: Uncertain significance. Last evaluated: 2022-03-01. Review status: criteria provided, single submitter. Criteria: Invitae Variant Classification Sherloc (09022015). Collection method: clinical testing. Allele origin: germline.
Comment: This sequence change replaces proline, which is neutral and non-polar, with leucine, which is neutral and non-polar, at codon 510 of the ACAN protein (p.Pro510Leu). This variant is not present in population databases (gnomAD no frequency). This variant has not been reported in the literature in individuals affected with ACAN-related conditions. Algorithms developed to predict the effect of missense changes on protein structure and function are either unavailable or do not agree on the potential impact of this missense change (SIFT: "Deleterious"; PolyPhen-2: "Not Available"; Align-GVGD: "Class C65"). In summary, the available evidence is currently insufficient to determine the role of this variant in disease. Therefore, it has been classified as a Variant of Uncertain Significance.